The following is an entry in ClinVar:

ClinVar aggregate classification (germline): Likely benign. Review status: criteria provided, multiple submitters, no conflicts (2 of 4 stars). 4 submissions from 4 submitters: Likely benign (3). 1 of the submissions does not count toward it. Last evaluated 2025-08-18.

Conditions:
Usher syndrome type 1B (USH1B). Also called: Usher syndrome type IB. Identifiers: MedGen C1848638, MONDO:0700087.

Allele frequency attached by ClinVar (database versions not stated): ExAC 0.00003; gnomAD exomes 0.00004 and 0.00009; gnomAD 0.00009; TOPMed 0.00009; ESP Exome Variant Server 0.00016.
gnomAD v4.1: 139 of 1,609,268 alleles (0.0086%); highest among the groups gnomAD compares: Non-Finnish European, 0.011%; no homozygotes.

Submissions (4):

Labcorp Genetics (formerly Invitae), Labcorp
Classification: Likely benign. Last evaluated: 2025-08-18. Review status: criteria provided, single submitter. Criteria: Invitae Variant Classification Sherloc (09022015). Collection method: clinical testing. Allele origin: germline.

Blueprint Genetics
Classification: Likely benign. Last evaluated: 2022-05-31. Review status: criteria provided, single submitter. Criteria: ACMG Guidelines, 2015. Collection method: clinical testing. Allele origin: germline.

GeneDx
Classification: Likely benign. Last evaluated: 2018-05-18. Review status: criteria provided, single submitter. Criteria: GeneDx Variant Classification (06012015). Collection method: clinical testing. Allele origin: germline. Affected: yes.
Comment: This variant is considered likely benign or benign based on one or more of the following criteria: it is a conservative change, it occurs at a poorly conserved position in the protein, it is predicted to be benign by multiple in silico algorithms, and/or has population frequency not consistent with disease.

Natera, Inc.
Classification: Likely benign for Usher syndrome type 1B. Last evaluated: 2019-11-11. Review status: no assertion criteria provided. Collection method: clinical testing. Allele origin: germline. Not counted in ClinVar's aggregate classification.

NM_000260.4(MYO7A):c.2316A>G (p.Thr772=)

Gene: MYO7A (myosin VIIA; plus strand). Cytogenetic location: 11q13.5.
Variant type: single nucleotide variant.
Coding change: c.2316A>G on transcript NM_000260.4 (MANE Select); coding-DNA position 2316, A replaced by G.
Protein change: p.Thr772=; no amino-acid change (threonine 772 retained).
Molecular consequence: synonymous variant.
Genome position (GRCh38, 1-based): chr11:77,179,078, A>G. VCF-style: chr11-77179078-A-G. GRCh37 (hg19) VCF-style: chr11-76890124-A-G.
Other names: c.2316A>G, p.Thr772= (NM_001127180.2); c.2283A>G, p.Thr761= (NM_001369365.1).
Identifiers: ClinVar variation 668365 (VCV000668365.14), dbSNP rs369466539, ClinGen allele CA6197806.
Genomic context (GRCh38, chr11:77,179,078, plus strand): 5'-TCACCCGCGCCACTACTGCTGTTTCAGGTCTAACTTTCTGAAGCTGAAGAACGCTGCCAC[A>G]CTGATCCAGAGGCACTGGCGGGGTCACAACTGTAGGAAGAACTACGGGCTGGTGAGCCTC-3'
Protein context (NP_000251.3, residues 762-782): SNFLKLKNAA[Thr772=]LIQRHWRGHN